The following is an entry in ClinVar:

NM_001048174.2(MUTYH):c.842G>T (p.Arg281Leu)

Gene: MUTYH (mutY DNA glycosylase; minus strand). Cytogenetic location: 1p34.1.
Variant type: single nucleotide variant.
Coding change: c.842G>T on transcript NM_001048174.2 (MANE Select); coding-DNA position 842, G replaced by T.
Protein change: p.Arg281Leu; replaces arginine 281 with leucine.
Molecular consequence: missense variant. On other transcripts: non-coding transcript variant (2).
Genome position (GRCh38, 1-based): chr1:45,332,173, C>A on the plus strand (G>T on the coding strand, the complement: MUTYH is on the minus strand). VCF-style: chr1-45332173-C-A. GRCh37 (hg19) VCF-style: chr1-45797845-C-A.
Other names: c.926G>T (NM_001128425.1); c.842G>T, p.Arg281Leu (NM_001048171.2, NM_001048173.2, NM_001293195.2); c.845G>T, p.Arg282Leu (NM_001048172.2); c.926G>T, p.Arg309Leu (NM_001128425.2); c.887G>T, p.Arg296Leu (NM_001293190.2); c.875G>T, p.Arg292Leu (NM_001293191.2); c.566G>T, p.Arg189Leu (NM_001293192.2, NM_001293196.2); c.497G>T, p.Arg166Leu (NM_001350650.2, NM_001350651.2); and 1 more; short protein forms R166L, R189L, R281L, R282L, R292L, R296L, R306L, R309L.
Identifiers: ClinVar variation 1051784 (VCV001051784.11), dbSNP rs587782727, ClinGen allele CA340134298.

ClinVar aggregate classification (germline): Uncertain significance. Review status: criteria provided, multiple submitters, no conflicts (2 of 4 stars). 2 submissions from 2 submitters: Uncertain significance (2). Last evaluated 2025-08-27.

Conditions:
Hereditary cancer-predisposing syndrome. Also called: Neoplastic Syndromes, Hereditary; Hereditary Cancer Syndrome; Hereditary neoplastic syndrome; Tumor predisposition. Identifiers: Orphanet 140162, MedGen C0027672, MeSH D009386, MONDO:0015356.
Familial adenomatous polyposis 2. Also called: Adenomas, multiple colorectal; MUTYH Polyposis; COLORECTAL ADENOMATOUS POLYPOSIS, AUTOSOMAL RECESSIVE; ADENOMAS, MULTIPLE COLORECTAL, AUTOSOMAL RECESSIVE; FAP type 2; MUTYH-associated polyposis. Identifiers: Orphanet 220460, Orphanet 247798, MedGen C3272841, MONDO:0012041, OMIM 608456.

Submissions (2):

Ambry Genetics
Classification: Uncertain significance for Hereditary cancer-predisposing syndrome. Last evaluated: 2025-08-27. Review status: criteria provided, single submitter. Criteria: Ambry Variant Classification Scheme 2023. Collection method: clinical testing. Allele origin: germline.
Comment: The p.R309L variant (also known as c.926G>T), located in coding exon 10 of the MUTYH gene, results from a G to T substitution at nucleotide position 926. The arginine at codon 309 is replaced by leucine, an amino acid with dissimilar properties. This amino acid position is conserved. In addition, the in silico prediction for this alteration is inconclusive. Based on the available evidence, the clinical significance of this variant remains unclear.

Labcorp Genetics (formerly Invitae), Labcorp
Classification: Uncertain significance for Familial adenomatous polyposis 2. Last evaluated: 2025-03-19. Review status: criteria provided, single submitter. Criteria: Invitae Variant Classification Sherloc (09022015). Collection method: clinical testing. Allele origin: germline.
Comment: This sequence change replaces arginine, which is basic and polar, with leucine, which is neutral and non-polar, at codon 309 of the MUTYH protein (p.Arg309Leu). This variant is not present in population databases (gnomAD no frequency). This variant has not been reported in the literature in individuals affected with MUTYH-related conditions. ClinVar contains an entry for this variant (Variation ID: 1051784). An algorithm developed to predict the effect of missense changes on protein structure and function (PolyPhen-2) suggests that this variant is likely to be tolerated. In summary, the available evidence is currently insufficient to determine the role of this variant in disease. Therefore, it has been classified as a Variant of Uncertain Significance.